The following is an entry in ClinVar:

ClinVar aggregate classification (germline): Uncertain significance (1 of 4 stars; one submission).

Conditions:
Inborn genetic diseases. Identifiers: MedGen C0950123, MeSH D030342.

Submission:

Ambry Genetics
Classification: Uncertain significance for Inborn genetic diseases. Last evaluated: 2026-03-17. Review status: criteria provided, single submitter. Criteria: Ambry Variant Classification Scheme 2023. Collection method: clinical testing. Allele origin: germline.
Comment: The p.P73S variant (also known as c.217C>T), located in coding exon 4 of the RECQL4 gene, results from a C to T substitution at nucleotide position 217. The proline at codon 73 is replaced by serine, an amino acid with similar properties. This amino acid position is conserved. In addition, this alteration is predicted to be tolerated by in silico analysis. Based on the available evidence, the clinical significance of this variant remains unclear.

NM_004260.4(RECQL4):c.217C>T (p.Pro73Ser)

Gene: RECQL4 (RecQ like helicase 4; minus strand). Cytogenetic location: 8q24.3.
Variant type: single nucleotide variant.
Coding change: c.217C>T on transcript NM_004260.4 (MANE Select); coding-DNA position 217, C replaced by T.
Protein change: p.Pro73Ser; replaces proline 73 with serine.
Molecular consequence: missense variant. On other transcripts: 5 prime UTR variant (17), non-coding transcript variant (3).
Genome position (GRCh38, 1-based): chr8:144,517,187, G>A on the plus strand (C>T on the coding strand, the complement: RECQL4 is on the minus strand). VCF-style: chr8-144517187-G-A. GRCh37 (hg19) VCF-style: chr8-145742571-G-A.
Other names: c.217C>T, p.Pro73Ser (NM_001413017.1, NM_001413018.1, NM_001413019.1 and 5 more transcripts); c.-504C>T (NM_001413021.1); c.-855C>T (NM_001413022.1, NM_001413023.1, NM_001413037.1 and 3 more transcripts); c.-752C>T (NM_001413024.1, NM_001413035.1); c.88C>T, p.Pro30Ser (NM_001413025.1); c.-917C>T (NM_001413027.1, NM_001413030.1, NM_001413031.1 and 1 more transcripts); c.-580C>T (NM_001413028.1); c.-814C>T (NM_001413032.1); and 2 more; short protein forms P30S, P73S.
Identifiers: ClinVar variation 4863140 (VCV004863140.1).